The following is an entry in ClinVar:

ClinVar aggregate classification (germline): Pathogenic/Likely pathogenic. Review status: criteria provided, multiple submitters, no conflicts (2 of 4 stars). 12 submissions from 12 submitters: Pathogenic (3); Likely pathogenic (6). 3 of the submissions do not count toward it. Last evaluated 2026-04-30.

Conditions:
CDH23-related disorder. Also called: CDH23-related disorders; CDH23-related condition.
Usher syndrome. Also called: Usher Syndromes; Usher's syndrome. Identifiers: Orphanet 886, MedGen CN469326, MeSH D052245, MONDO:0019501. Disease mechanism: loss of function.
Pituitary adenoma 5, multiple types. Identifiers: MedGen C4539685, MONDO:0054601, OMIM 617540.
Prelingual sensorineural hearing impairment. Identifiers: MedGen C4021806, HP:0000399.
Usher syndrome type 1 (USH1). Also called: RETINITIS PIGMENTOSA AND CONGENITAL DEAFNESS. Identifiers: Orphanet 231169, Orphanet 886, MedGen C1568247, MONDO:0010168, OMIM 276900.
Autosomal recessive nonsyndromic hearing loss 12. Also called: DEAFNESS, AUTOSOMAL RECESSIVE 12. Identifiers: Orphanet 90636, MedGen C1832394, MONDO:0011067, OMIM 601386.
Usher syndrome type 1D (USH1D). Also called: USHER SYNDROME, TYPE ID. Identifiers: Orphanet 231169, Orphanet 886, MedGen C1832845, MONDO:0010984, OMIM 601067.

Allele frequency attached by ClinVar (database versions not stated): gnomAD 0.00001; TOPMed 0.00003; gnomAD exomes below 0.00001; ExAC 0.00001.
gnomAD v4.1: 15 of 1,612,408 alleles (0.00093%); highest among the groups gnomAD compares: East Asian, 0.0067%; no homozygotes.

Submissions (12):

Laboratory of Molecular, Cellular and Translation Genetics in Otolaryngology/ Lim32-hcfmusp, University of Sao Paulo School of Medicine Clinics Hospital
Classification: Likely pathogenic for Prelingual sensorineural hearing impairment. Last evaluated: 2026-04-30. Review status: criteria provided, single submitter. Criteria: ClinGen HL ACMG Specifications v1. Collection method: research. Allele origin: germline. Affected: yes.
Comment: NM_022124.6:c.4021G>A This variant has been classified as likely pathogenic. It is rare in population databases (PM2), and in silico prediction tools support a deleterious effect on protein function (PP3). It has been repeatedly reported in trans with other pathogenic CDH23 variants (PM3). However, the available evidence is insufficient to definitively establish this variant as causative in this study.

Natera, Inc.
Classification: Likely pathogenic for Usher syndrome type 1. Last evaluated: 2025-12-11. Review status: criteria provided, single submitter. Criteria: Natera Variant Classification Schema (03/2026). Collection method: clinical testing. Allele origin: germline.
Comment: The c.4021G>A variant in CDH23 is a missense variant predicted to cause substitution of aspartic acid to asparagine at amino acid 1341. This variant is rare in the general population with a frequency below the threshold expected for the associated phenotype(s). This variant has been observed in one or more individuals affected with the associated recessive disease, as either homozygous or compound heterozygous with a second variant (PMID: 12522556, 25468891, 35020051). Additionally, this variant has been observed to segregate in affected family members (PMID: 12522556). Computational prediction algorithms indicate this variant is likely to affect gene or protein function. Given the available evidence, this variant is classified as Likely Pathogenic.

PreventionGenetics, part of Exact Sciences
Classification: Likely pathogenic for CDH23-related condition. Last evaluated: 2025-12-08. Review status: criteria provided, single submitter. Criteria: ACMG Guidelines, 2015. Collection method: clinical testing. Allele origin: germline.
Comment: The CDH23 c.4021G>A variant is predicted to result in the amino acid substitution p.Asp1341Asn. This variant has been reported in the compound heterozygous state along with a second pathogenic variant in several individuals with non-syndromic hearing loss (de Brouwer et al. 2003. PubMed ID: 12522556; Table S2, Usami et al. 2022. PubMed ID: 35020051). This variant is reported in 0.00090% of alleles in individuals of European (non-Finnish) descent in gnomAD. This variant is interpreted as likely pathogenic.

Labcorp Genetics (formerly Invitae), Labcorp
Classification: Pathogenic. Last evaluated: 2024-07-03. Review status: criteria provided, single submitter. Criteria: Invitae Variant Classification Sherloc (09022015). Collection method: clinical testing. Allele origin: germline.
Comment: This sequence change replaces aspartic acid, which is acidic and polar, with asparagine, which is neutral and polar, at codon 1341 of the CDH23 protein (p.Asp1341Asn). This variant is not present in population databases (gnomAD no frequency). This missense change has been observed in individual(s) with autosomal recessive non-syndromic hearing loss and with Usher syndrome (PMID: 12522556, 19683999). It has also been observed to segregate with disease in related individuals. ClinVar contains an entry for this variant (Variation ID: 4923). Advanced modeling of protein sequence and biophysical properties (such as structural, functional, and spatial information, amino acid conservation, physicochemical variation, residue mobility, and thermodynamic stability) has been performed at Invitae for this missense variant, however the output from this modeling did not meet the statistical confidence thresholds required to predict the impact of this variant on CDH23 protein function. For these reasons, this variant has been classified as Pathogenic.

Baylor Genetics
Classification: Likely pathogenic for Pituitary adenoma 5, multiple types. Last evaluated: 2024-02-22. Review status: criteria provided, single submitter. Criteria: ACMG Guidelines, 2015. Collection method: clinical testing. Allele origin: unknown.

Women's Health and Genetics/Laboratory Corporation of America, LabCorp
Classification: Pathogenic for Usher syndrome. Last evaluated: 2023-12-05. Review status: criteria provided, single submitter. Criteria: LabCorp Variant Classification Summary - May 2015. Collection method: clinical testing. Allele origin: germline.
Comment: Variant summary: CDH23 c.4021G>A (p.Asp1341Asn) results in a conservative amino acid change in the encoded protein sequence. Three of four in-silico tools predict a damaging effect of the variant on protein function. The variant allele was found at a frequency of 4.1e-06 in 245970 control chromosomes. c.4021G>A has been reported at a compound heterozygous state along with different pathogenic variants in CDH23 in multiple individuals affected with autosomal recessive hearing loss (example, Usami_2022, deBrouwer_2003). These data indicate that the variant is very likely to be associated with disease. To our knowledge, no experimental evidence demonstrating an impact on protein function has been reported. The following publications have been ascertained in the context of this evaluation (PMID: 35020051, 12522556). Three submitters have cited clinical-significance assessments for this variant to ClinVar after 2014. All submitters classified the variant as pathogenic/likely pathogenic. Based on the evidence outlined above, the variant was classified as pathogenic.

GeneDx
Classification: Likely pathogenic. Last evaluated: 2022-12-12. Review status: criteria provided, single submitter. Criteria: GeneDx Variant Classification Process June 2021. Collection method: clinical testing. Allele origin: germline. Affected: yes.
Comment: Not observed at significant frequency in large population cohorts (gnomAD); In silico analysis supports that this missense variant has a deleterious effect on protein structure/function; This variant is associated with the following publications: (PMID: 12075507, 19683999, 16963483, 12786748, 21940737, 31589614, 35020051, 15353998, 12522556)

Blueprint Genetics
Classification: Pathogenic for CDH23-related disorders. Last evaluated: 2022-05-12. Review status: criteria provided, single submitter. Criteria: ACMG Guidelines, 2015. Collection method: clinical testing. Allele origin: germline. Affected: yes. Observed: 2 variant alleles.

Genetics and Genomic Medicine Centre, NeuroGen Healthcare, NeuroGen Healthcare
Classification: Likely pathogenic for Usher syndrome type 1D. Last evaluated: 2022-04-28. Review status: criteria provided, single submitter. Criteria: Submitter's publication. Collection method: clinical testing. Allele origin: unknown. Affected: no.

OMIM
Classification: Pathogenic for DEAFNESS, AUTOSOMAL RECESSIVE 12. Last evaluated: 2003-02-01. Review status: no assertion criteria provided. Collection method: literature only. Allele origin: germline. Not counted in ClinVar's aggregate classification.

Clinical Genetics DNA and cytogenetics Diagnostics Lab, Erasmus MC, Erasmus Medical Center
Classification: Uncertain significance. Review status: flagged submission. Collection method: clinical testing. Allele origin: germline. Affected: yes. Study: VKGL Data-share Consensus. Not counted in ClinVar's aggregate classification.
ClinVar note: Reason: Outlier claim with insufficient supporting evidence

Joint Genome Diagnostic Labs from Nijmegen and Maastricht, Radboudumc and MUMC+
Classification: Uncertain significance. Review status: flagged submission. Collection method: clinical testing. Allele origin: germline. Affected: yes. Study: VKGL Data-share Consensus. Not counted in ClinVar's aggregate classification.
ClinVar note: Reason: Outlier claim with insufficient supporting evidence

Literature cited by the submitters: PubMed 12522556 (cited by 5 submitters); PubMed 19683999 (cited by Laboratory of Molecular, Cellular and Translation Genetics in Otolaryngology/ Lim32-hcfmusp, University of Sao Paulo School of Medicine Clinics Hospital and Labcorp Genetics (formerly Invitae), Labcorp); PubMed 42233699 (cited by Laboratory of Molecular, Cellular and Translation Genetics in Otolaryngology/ Lim32-hcfmusp, University of Sao Paulo School of Medicine Clinics Hospital); PubMed 25468891 (cited by Natera, Inc.); PubMed 35020051 (cited by Natera, Inc. and Women's Health and Genetics/Laboratory Corporation of America, LabCorp).

NM_022124.6(CDH23):c.4021G>A (p.Asp1341Asn)

Genes: C10orf105 (chromosome 10 open reading frame 105; minus strand), CDH23 (cadherin related 23; plus strand). Cytogenetic location: 10q22.1.
Variant type: single nucleotide variant.
Coding change: c.4021G>A on transcript NM_022124.6 (MANE Select); coding-DNA position 4021, G replaced by A.
Protein change: p.Asp1341Asn; replaces aspartic acid 1341 with asparagine.
Molecular consequence: missense variant. On other transcripts: intron variant (1).
Genome position (GRCh38, 1-based): chr10:71,732,292, G>A. VCF-style: chr10-71732292-G-A. GRCh37 (hg19) VCF-style: chr10-73492049-G-A.
Other names: c.4021G>A, p.Asp1341Asn (NM_001171930.2); c.-6+5436C>T (NM_001168390.2); short protein forms D1341N.
Identifiers: ClinVar variation 4923 (VCV000004923.22), dbSNP rs121908351, ClinGen allele CA253334.